The following is an entry in ClinVar:

NM_007027.4(TOPBP1):c.1143T>A (p.Ile381=)

Gene: TOPBP1 (DNA topoisomerase II binding protein 1; minus strand). Cytogenetic location: 3q22.1.
Variant type: single nucleotide variant.
Coding change: c.1143T>A on transcript NM_007027.4 (MANE Select); coding-DNA position 1143, T replaced by A.
Protein change: p.Ile381=; no amino-acid change (isoleucine 381 retained).
Molecular consequence: synonymous variant.
Genome position (GRCh38, 1-based): chr3:133,649,890, A>T on the plus strand (T>A on the coding strand, the complement: TOPBP1 is on the minus strand). VCF-style: chr3-133649890-A-T. GRCh37 (hg19) VCF-style: chr3-133368734-A-T.
Other names: c.1128T>A, p.Ile376= (NM_001363889.2).
Identifiers: ClinVar variation 3057332 (VCV003057332.2), dbSNP rs749743222, ClinGen allele CA2624528.

ClinVar aggregate classification (germline): Likely benign (0 of 4 stars; one submission).

Conditions:
TOPBP1-related disorder. Also called: TOPBP1-related condition.

Allele frequency attached by ClinVar (database versions not stated): ExAC 0.00001; gnomAD exomes 0.00002; TOPMed 0.00003; gnomAD 0.00004.
gnomAD v4.1: 35 of 1,611,144 alleles (0.0022%); highest among the groups gnomAD compares: Middle Eastern, 0.049%; no homozygotes.

Submission:

PreventionGenetics, part of Exact Sciences
Classification: Likely benign for TOPBP1-related condition. Last evaluated: 2019-04-09. Review status: no assertion criteria provided. Collection method: clinical testing. Allele origin: germline.
Comment: This variant is classified as likely benign based on ACMG/AMP sequence variant interpretation guidelines (Richards et al. 2015 PMID: 25741868, with internal and published modifications).